The following is an entry in ClinVar:

NM_001242.5(CD27):c.515G>A (p.Arg172Gln)

Genes: CD27 (CD27 molecule; plus strand), CD27-AS1 (CD27 antisense RNA 1; minus strand). Cytogenetic location: 12p13.31.
Variant type: single nucleotide variant.
Coding change: c.515G>A on transcript NM_001242.5 (MANE Select); coding-DNA position 515, G replaced by A.
Protein change: p.Arg172Gln; replaces arginine 172 with glutamine.
Molecular consequence: missense variant. On other transcripts: non-coding transcript variant (5).
Genome position (GRCh38, 1-based): chr12:6,450,607, G>A. VCF-style: chr12-6450607-G-A. GRCh37 (hg19) VCF-style: chr12-6559773-G-A.
Other names: c.608G>A, p.Arg203Gln (NM_001413263.1); c.488G>A, p.Arg163Gln (NM_001413264.1); c.335G>A, p.Arg112Gln (NM_001413265.1); c.65G>A, p.Arg22Gln (NM_001413266.1, NM_001413267.1, NM_001413268.1); short protein forms R203Q, R163Q, R172Q, R112Q, R22Q.
Identifiers: ClinVar variation 2920770 (VCV002920770.2), dbSNP rs763988270, ClinGen allele CA6407006.

ClinVar aggregate classification (germline): Uncertain significance. Review status: criteria provided, multiple submitters, no conflicts (2 of 4 stars). 2 submissions from 2 submitters: Uncertain significance (2). Last evaluated 2025-07-14.

Conditions:
Lymphoproliferative syndrome 2 (LPFS2). Also called: CD27 DEFICIENCY; Combined immunodeficiency due to CD27 deficiency. Identifiers: Orphanet 238505, MedGen C3554540, MONDO:0014054, OMIM 615122.
Inborn genetic diseases. Identifiers: MedGen C0950123, MeSH D030342.

Allele frequency attached by ClinVar (database versions not stated): ExAC 0.00001; gnomAD 0.00003; TOPMed 0.00005.

Submissions (2):

Ambry Genetics
Classification: Uncertain significance for Inborn genetic diseases. Last evaluated: 2025-07-14. Review status: criteria provided, single submitter. Criteria: Ambry Variant Classification Scheme 2023. Collection method: clinical testing. Allele origin: germline.

ARUP Laboratories, Molecular Genetics and Genomics, ARUP Laboratories
Classification: Uncertain significance for Lymphoproliferative syndrome 2. Last evaluated: 2023-11-07. Review status: criteria provided, single submitter. Criteria: ARUP Molecular Germline Variant Investigation Process 2024. Collection method: clinical testing. Allele origin: germline.
Comment: The CD27 c.515G>A p.Arg172Gln variant (rs763988270), to our knowledge, is not reported in the medical literature or gene specific databases. This variant is found in the general population with an overall allele frequency of 0.003% (8/249,694 alleles) in the Genome Aggregation Database. Computational analyses are uncertain whether this variant is neutral or deleterious (REVEL: 0.226). Due to limited information, the clinical significance of this variant is uncertain at this time.